The following is an entry in ClinVar:

ClinVar aggregate classification (germline): Conflicting classifications of pathogenicity. Review status: criteria provided, conflicting classifications (1 of 4 stars). 7 submissions from 7 submitters: Uncertain significance (2); Benign (2); Likely benign (1). 2 of the submissions do not count toward it. Last evaluated 2026-01-20.

Conditions:
NEB-related disorder. Also called: NEB-Related Disorders; NEB-related condition.
Nemaline myopathy 2 (NEM2). Also called: Nemaline myopathy 2, autosomal recessive. Identifiers: MedGen C1850569, MONDO:0009725, OMIM 256030.

Allele frequency attached by ClinVar (database versions not stated): gnomAD 0.00039 and 0.00041; TOPMed 0.00044; ESP Exome Variant Server 0.00050; ExAC 0.00055; gnomAD exomes 0.00076.
gnomAD v4.1: 645 of 1,613,890 alleles (0.04%); highest among the groups gnomAD compares: Middle Eastern, 0.016%; 6 homozygotes.

Submissions (7):

Labcorp Genetics (formerly Invitae), Labcorp
Classification: Benign for Nemaline myopathy 2. Last evaluated: 2026-01-20. Review status: criteria provided, single submitter. Criteria: Invitae Variant Classification Sherloc (09022015). Collection method: clinical testing. Allele origin: germline.

CeGaT Center for Human Genetics Tuebingen
Classification: Likely benign. Last evaluated: 2024-10-01. Review status: criteria provided, single submitter. Criteria: CeGaT Center For Human Genetics Tuebingen Variant Classification Criteria Version 2. Collection method: clinical testing. Allele origin: germline. Affected: yes. Observed: 3 variant alleles.
Comment: NEB: BS2

GeneDx
Classification: Benign. Last evaluated: 2020-10-01. Review status: criteria provided, single submitter. Criteria: GeneDx Variant Classification Process June 2021. Collection method: clinical testing. Allele origin: germline. Affected: yes.
Comment: This variant is associated with the following publications: (PMID: 29178646)

Illumina Laboratory Services, Illumina
Classification: Uncertain significance for Nemaline myopathy 2. Last evaluated: 2018-01-13. Review status: criteria provided, single submitter. Criteria: ICSL Variant Classification Criteria 13 December 2019. Collection method: clinical testing. Allele origin: germline.

Genomic Diagnostic Laboratory, Division of Genomic Diagnostics, Children's Hospital of Philadelphia
Classification: Uncertain significance. Last evaluated: 2015-09-17. Review status: criteria provided, single submitter. Criteria: DGD Variant Analysis Guidelines. Collection method: clinical testing. Allele origin: unknown.

Natera, Inc.
Classification: Likely benign for Nemaline myopathy type 2. Last evaluated: 2020-01-13. Review status: no assertion criteria provided. Collection method: clinical testing. Allele origin: germline. Not counted in ClinVar's aggregate classification.

PreventionGenetics, part of Exact Sciences
Classification: Benign for NEB-related condition. Last evaluated: 2019-07-12. Review status: no assertion criteria provided. Collection method: clinical testing. Allele origin: germline. Not counted in ClinVar's aggregate classification.
Comment: This variant is classified as benign based on ACMG/AMP sequence variant interpretation guidelines (Richards et al. 2015 PMID: 25741868, with internal and published modifications).

NM_001164508.2(NEB):c.8801G>A (p.Arg2934His)

Gene: NEB (nebulin; minus strand). Cytogenetic location: 2q23.3.
Variant type: single nucleotide variant.
Coding change: c.8801G>A on transcript NM_001164508.2 (MANE Select); coding-DNA position 8801, G replaced by A.
Protein change: p.Arg2934His; replaces arginine 2934 with histidine.
Molecular consequence: missense variant.
Genome position (GRCh38, 1-based): chr2:151,639,945, C>T on the plus strand (G>A on the coding strand, the complement: NEB is on the minus strand). VCF-style: chr2-151639945-C-T. GRCh37 (hg19) VCF-style: chr2-152496459-C-T.
Other names: c.8801G>A, p.Arg2934His (NM_001164507.2, NM_001271208.2, NM_004543.5); short protein forms R2934H.
Identifiers: ClinVar variation 252581 (VCV000252581.53), dbSNP rs200307392, ClinGen allele CA1909499.